The following is an entry in ClinVar:

NM_024678.6(NARS2):c.224T>C (p.Val75Ala)

Gene: NARS2 (asparaginyl-tRNA synthetase 2, mitochondrial; minus strand). Cytogenetic location: 11q14.1.
Variant type: single nucleotide variant.
Coding change: c.224T>C on transcript NM_024678.6 (MANE Select); coding-DNA position 224, T replaced by C.
Protein change: p.Val75Ala; replaces valine 75 with alanine.
Molecular consequence: missense variant. On other transcripts: 5 prime UTR variant (1).
Genome position (GRCh38, 1-based): chr11:78,571,362, A>G on the plus strand (T>C on the coding strand, the complement: NARS2 is on the minus strand). VCF-style: chr11-78571362-A-G. GRCh37 (hg19) VCF-style: chr11-78282407-A-G.
Other names: c.-458T>C (NM_001243251.2); short protein forms V75A.
Identifiers: ClinVar variation 2501631 (VCV002501631.1), dbSNP rs1475741475, ClinGen allele CA382180435.

ClinVar aggregate classification (germline): Uncertain significance (1 of 4 stars; one submission).

Allele frequency attached by ClinVar (database versions not stated): TOPMed below 0.00001.
gnomAD v4.1: 2 of 1,613,554 alleles (0.00012%); highest among the groups gnomAD compares: African/African-American, 0.0013%; no homozygotes.

Submission:

GeneDx
Classification: Uncertain significance. Last evaluated: 2022-11-07. Review status: criteria provided, single submitter. Criteria: GeneDx Variant Classification Process June 2021. Collection method: clinical testing. Allele origin: germline. Affected: yes.
Comment: Not observed at significant frequency in large population cohorts (gnomAD); In silico analysis supports that this missense variant has a deleterious effect on protein structure/function; Has not been previously published as pathogenic or benign to our knowledge